The following is an entry in ClinVar:

NM_001035.3(RYR2):c.11657G>C (p.Ser3886Thr)

Gene: RYR2 (ryanodine receptor 2; plus strand). Cytogenetic location: 1q43.
Variant type: single nucleotide variant.
Coding change: c.11657G>C on transcript NM_001035.3 (MANE Select); coding-DNA position 11657, G replaced by C.
Protein change: p.Ser3886Thr; replaces serine 3886 with threonine.
Molecular consequence: missense variant.
Genome position (GRCh38, 1-based): chr1:237,773,530, G>C. VCF-style: chr1-237773530-G-C. GRCh37 (hg19) VCF-style: chr1-237936830-G-C.
Other names: short protein forms S3886T.
Identifiers: ClinVar variation 3070503 (VCV003070503.2), dbSNP rs2149319012, ClinGen allele CA345407623.
Genomic context (GRCh38, chr1:237,773,530, plus strand): 5'-TAACTTTAGAATGTGACTTGATAATAAATAATATCATCTCTATTTCCCAGGAATCAATTA[G>C]TGACTTTTATTGGTATTACTCTGGGAAAGATGTTATTGATGAACAAGGACAACGGAATTT-3'
Protein context (NP_001026.2, residues 3876-3896): DYLLRVQESI[Ser3886Thr]DFYWYYSGKD

ClinVar aggregate classification (germline): Uncertain significance. Review status: criteria provided, multiple submitters, no conflicts (2 of 4 stars). 2 submissions from 2 submitters: Uncertain significance (2). Last evaluated 2025-06-30.

Conditions:
Cardiomyopathy (CMYO). Also called: Cardiomyopathies. Identifiers: Orphanet 167848, MedGen C0878544, MONDO:0004994, HP:0001638. Inheritance: Various modes of inheritance.
Catecholaminergic polymorphic ventricular tachycardia (CVPT). Also called: Catecholamine-induced polymorphic ventricular tachycardia. Identifiers: Orphanet 3286, MedGen C5574922, MONDO:0017990.

Submissions (2):

Color Diagnostics, LLC DBA Color Health
Classification: Uncertain significance for Cardiomyopathy. Last evaluated: 2025-06-30. Review status: criteria provided, single submitter. Criteria: ACMG Guidelines, 2015. Collection method: clinical testing. Allele origin: germline.
Comment: This missense variant replaces serine with threonine at codon 3886 of the RYR2 protein. Computational prediction is inconclusive regarding the impact of this variant on protein structure and function. To our knowledge, functional studies have not been reported for this variant. This variant has not been reported in individuals affected with RYR2-related disorders in the literature. This variant has not been identified in the general population by the Genome Aggregation Database (gnomAD). The available evidence is insufficient to determine the role of this variant in disease conclusively. Therefore, this variant is classified as a Variant of Uncertain Significance.

All of Us Research Program, National Institutes of Health
Classification: Uncertain significance for Catecholaminergic polymorphic ventricular tachycardia. Last evaluated: 2023-04-27. Review status: criteria provided, single submitter. Criteria: ACMG Guidelines, 2015. Collection method: clinical testing. Allele origin: germline. Inheritance: Autosomal dominant inheritance. Observed: 1 variant allele, 1 heterozygote.
Comment: This study involves interpretation of variants in research participants for the purpose of population health screening. Participant phenotype was not available at the time of variant classification. Additional details can be found in publication PMID: 35346344, PMCID: PMC8962531